The following is an entry in ClinVar:

ClinVar aggregate classification (germline): Uncertain significance (1 of 4 stars; one submission).

Submission:

Laboratory for Molecular Medicine, Mass General Brigham Personalized Medicine
Classification: Uncertain significance. Last evaluated: 2017-06-06. Review status: criteria provided, single submitter. Criteria: LMM Criteria. Collection method: clinical testing. Allele origin: germline. Observed: 1 variant allele.
Comment: The p.Pro1537Leu variant in COL11A2 has not been previously reported in individu als with hearing loss or Stickler syndrome, or in large population studies. Comp utational prediction tools and conservation analysis do not provide strong suppo rt for or against an impact to the protein. In summary, the clinical significanc e of the p.Pro1537Leu variant is uncertain.

NM_080680.3(COL11A2):c.4610C>T (p.Pro1537Leu)

Gene: COL11A2 (collagen type XI alpha 2 chain; minus strand). Cytogenetic location: 6p21.32.
Variant type: single nucleotide variant.
Coding change: c.4610C>T on transcript NM_080680.3 (MANE Select); coding-DNA position 4610, C replaced by T.
Protein change: p.Pro1537Leu; replaces proline 1537 with leucine.
Molecular consequence: missense variant.
Genome position (GRCh38, 1-based): chr6:33,165,689, G>A on the plus strand (C>T on the coding strand, the complement: COL11A2 is on the minus strand). VCF-style: chr6-33165689-G-A. GRCh37 (hg19) VCF-style: chr6-33133466-G-A.
Other names: c.4289C>T, p.Pro1430Leu (NM_080679.3); c.4352C>T, p.Pro1451Leu (NM_080681.3); short protein forms P1537L, P1430L, P1451L.
Identifiers: ClinVar variation 505844 (VCV000505844.4), dbSNP rs1554212071, ClinGen allele CA363618731.
Genomic context (GRCh38, chr6:33,165,689, plus strand): 5'-ATCTGCTCGATCTCCTCCCGCAGGGAGTCGAGTGAGCCAAAGATCTCCTCCAGCCCCCCA[G>A]GACTGCCGGGGGCTCCCCCGGTCGGTATGGCCTCATCTTCCTGCATCAGACGGCTTCCAT-3'
Protein context (NP_542411.2, residues 1527-1547): AIPTGGAPGS[Pro1537Leu]GGLEEIFGSL